The following is an entry in ClinVar:

NM_015311.3(OBSL1):c.463C>T (p.Pro155Ser)

Gene: OBSL1 (obscurin like cytoskeletal adaptor 1; minus strand). Cytogenetic location: 2q35.
Variant type: single nucleotide variant.
Coding change: c.463C>T on transcript NM_015311.3 (MANE Select); coding-DNA position 463, C replaced by T.
Protein change: p.Pro155Ser; replaces proline 155 with serine.
Molecular consequence: missense variant.
Genome position (GRCh38, 1-based): chr2:219,570,770, G>A on the plus strand (C>T on the coding strand, the complement: OBSL1 is on the minus strand). VCF-style: chr2-219570770-G-A. GRCh37 (hg19) VCF-style: chr2-220435492-G-A.
Other names: c.463C>T, p.Pro155Ser (NM_001173408.2, NM_001173431.2); short protein forms P155S.
Identifiers: ClinVar variation 894883 (VCV000894883.6), dbSNP rs547450690, ClinGen allele CA2131793.

ClinVar aggregate classification (germline): Uncertain significance. Review status: criteria provided, multiple submitters, no conflicts (2 of 4 stars). 2 submissions from 2 submitters: Uncertain significance (2). Last evaluated 2024-07-15.

Conditions:
3M syndrome 2. Also called: 3-M Syndrome, OBSL1-Related; THREE M SYNDROME 2. Identifiers: Orphanet 2616, MedGen C2752041, MONDO:0013039, OMIM 612921.

Allele frequency attached by ClinVar (database versions not stated): gnomAD 0.00002 and 0.00006; TOPMed 0.00002; gnomAD exomes 0.00003 and 0.00009; ExAC 0.00008; 1000 Genomes Project 30x 0.00031; 1000 Genomes Project 0.00040.
gnomAD v4.1: 126 of 1,491,186 alleles (0.0084%); highest among the groups gnomAD compares: East Asian, 0.36%; no homozygotes.

Submissions (2):

Labcorp Genetics (formerly Invitae), Labcorp
Classification: Uncertain significance. Last evaluated: 2024-07-15. Review status: criteria provided, single submitter. Criteria: Invitae Variant Classification Sherloc (09022015). Collection method: clinical testing. Allele origin: germline.
Comment: This sequence change replaces proline, which is neutral and non-polar, with serine, which is neutral and polar, at codon 155 of the OBSL1 protein (p.Pro155Ser). The frequency data for this variant in the population databases is considered unreliable, as metrics indicate poor data quality at this position in the gnomAD database. This variant has not been reported in the literature in individuals affected with OBSL1-related conditions. ClinVar contains an entry for this variant (Variation ID: 894883). An algorithm developed to predict the effect of missense changes on protein structure and function (PolyPhen-2) suggests that this variant is likely to be disruptive. In summary, the available evidence is currently insufficient to determine the role of this variant in disease. Therefore, it has been classified as a Variant of Uncertain Significance.

Illumina Laboratory Services, Illumina
Classification: Uncertain significance for 3M syndrome 2. Last evaluated: 2018-01-13. Review status: criteria provided, single submitter. Criteria: ICSL Variant Classification Criteria 13 December 2019. Collection method: clinical testing. Allele origin: germline.